The following is an entry in ClinVar:

NM_022458.4(LMBR1):c.474G>A (p.Ala158=)

Gene: LMBR1 (limb development membrane protein 1; minus strand). Cytogenetic location: 7q36.3.
Variant type: single nucleotide variant.
Coding change: c.474G>A on transcript NM_022458.4 (MANE Select); coding-DNA position 474, G replaced by A.
Protein change: p.Ala158=; no amino-acid change (alanine 158 retained).
Molecular consequence: synonymous variant. On other transcripts: non-coding transcript variant (2).
Genome position (GRCh38, 1-based): chr7:156,763,745, C>T on the plus strand (G>A on the coding strand, the complement: LMBR1 is on the minus strand). VCF-style: chr7-156763745-C-T. GRCh37 (hg19) VCF-style: chr7-156556439-C-T.
Other names: c.474G>A, p.Ala158= (NM_001350953.2, NM_001363409.2, NM_001363410.2); c.195G>A, p.Ala65= (NM_001350954.2); c.18G>A, p.Ala6= (NM_001350955.2, NM_001350956.2, NM_001350958.2 and 1 more transcripts); c.105G>A, p.Ala35= (NM_001350957.2, NM_001363411.2); c.411G>A, p.Ala137= (NM_001363412.2).
Identifiers: ClinVar variation 359430 (VCV000359430.9), dbSNP rs201832150, ClinGen allele CA4588105.

ClinVar aggregate classification (germline): Benign/Likely benign. Review status: criteria provided, multiple submitters, no conflicts (2 of 4 stars). 2 submissions from 2 submitters: Benign (1); Likely benign (1). Last evaluated 2025-02-17.

Conditions:
Polydactyly of a triphalangeal thumb. Also called: Polydactyly, preaxial type II; POLYDACTYLY OF TRIPHALANGEAL THUMB; TRIPHALANGEAL THUMB-POLYDACTYLY SYNDROME. Identifiers: Orphanet 2439, Orphanet 2950, Orphanet 93336, MedGen C1868114, MONDO:0008270, OMIM 174500.

Allele frequency attached by ClinVar (database versions not stated): gnomAD exomes 0.00003 and 0.00014; gnomAD 0.00007 and 0.00008; TOPMed 0.00011; ExAC 0.00014.
gnomAD v4.1: 60 of 1,605,662 alleles (0.0037%); highest among the groups gnomAD compares: Admixed American, 0.075%; 1 homozygote.

Submissions (2):

Labcorp Genetics (formerly Invitae), Labcorp
Classification: Likely benign. Last evaluated: 2025-02-17. Review status: criteria provided, single submitter. Criteria: Invitae Variant Classification Sherloc (09022015). Collection method: clinical testing. Allele origin: germline.

Illumina Laboratory Services, Illumina
Classification: Benign for Polydactyly of a triphalangeal thumb. Last evaluated: 2018-01-13. Review status: criteria provided, single submitter. Criteria: ICSL Variant Classification Criteria 13 December 2019. Collection method: clinical testing. Allele origin: germline.
Comment: This variant was observed in the ICSL laboratory as part of a predisposition screen in an ostensibly healthy population. It had not been previously curated by ICSL or reported in the Human Gene Mutation Database (HGMD: prior to June 1st, 2018), and was therefore a candidate for classification through an automated scoring system. Utilizing variant allele frequency, disease prevalence and penetrance estimates, and inheritance mode, an automated score was calculated to assess if this variant is too frequent to cause the disease. Based on the score and internal cut-off values, a variant classified as benign is not then subjected to further curation. The score for this variant resulted in a classification of benign for this disease.